The following is an entry in ClinVar:

NM_001197104.2(KMT2A):c.125C>T (p.Pro42Leu)

Gene: KMT2A (lysine methyltransferase 2A; plus strand). Cytogenetic location: 11q23.3.
Variant type: single nucleotide variant.
Coding change: c.125C>T on transcript NM_001197104.2 (MANE Select); coding-DNA position 125, C replaced by T.
Protein change: p.Pro42Leu; replaces proline 42 with leucine.
Molecular consequence: missense variant.
Genome position (GRCh38, 1-based): chr11:118,436,637, C>T. VCF-style: chr11-118436637-C-T. GRCh37 (hg19) VCF-style: chr11-118307352-C-T.
Other names: c.125C>T, p.Pro42Leu (NM_001412597.1, NM_005933.4); short protein forms P42L.
Identifiers: ClinVar variation 2441691 (VCV002441691.6), dbSNP rs1226450728, ClinGen allele CA382797299.

ClinVar aggregate classification (germline): Uncertain significance. Review status: criteria provided, multiple submitters, no conflicts (2 of 4 stars). 4 submissions from 4 submitters: Uncertain significance (4). Last evaluated 2026-03-19.

Conditions:
Wiedemann-Steiner syndrome (WDSTS). Also called: Growth deficiency and mental retardation with facial dysmorphism. Identifiers: Orphanet 319182, MedGen C1854630, MONDO:0011518, OMIM 605130.
Inborn genetic diseases. Identifiers: MedGen C0950123, MeSH D030342.

Submissions (4):

Ambry Genetics
Classification: Uncertain significance for Inborn genetic diseases. Last evaluated: 2026-03-19. Review status: criteria provided, single submitter. Criteria: Ambry Variant Classification Scheme 2023. Collection method: clinical testing. Allele origin: germline.

Labcorp Genetics (formerly Invitae), Labcorp
Classification: Uncertain significance. Last evaluated: 2025-11-01. Review status: criteria provided, single submitter. Criteria: Invitae Variant Classification Sherloc (09022015). Collection method: clinical testing. Allele origin: germline.
Comment: This sequence change replaces proline, which is neutral and non-polar, with leucine, which is neutral and non-polar, at codon 42 of the KMT2A protein (p.Pro42Leu). This variant is not present in population databases (gnomAD no frequency). This variant has not been reported in the literature in individuals affected with KMT2A-related conditions. ClinVar contains an entry for this variant (Variation ID: 2441691). Invitae Evidence Modeling of protein sequence and biophysical properties (such as structural, functional, and spatial information, amino acid conservation, physicochemical variation, residue mobility, and thermodynamic stability) indicates that this missense variant is not expected to disrupt KMT2A protein function with a negative predictive value of 95%. In summary, the available evidence is currently insufficient to determine the role of this variant in disease. Therefore, it has been classified as a Variant of Uncertain Significance.

Baylor Genetics
Classification: Uncertain significance for Wiedemann-Steiner syndrome. Last evaluated: 2022-08-12. Review status: criteria provided, single submitter. Criteria: ACMG Guidelines, 2015. Collection method: clinical testing. Allele origin: unknown.

Blueprint Genetics
Classification: Uncertain significance. Last evaluated: 2018-10-07. Review status: criteria provided, single submitter. Criteria: ACMG Guidelines, 2015. Collection method: clinical testing. Allele origin: germline.